The following is an entry in ClinVar:

ClinVar aggregate classification (germline): Likely pathogenic (1 of 4 stars; one submission).

Conditions:
X-linked Alport syndrome (ATS1). Also called: NEPHROPATHY AND DEAFNESS, X-LINKED; COL4A5-Related Nephropathy. Identifiers: Orphanet 63, Orphanet 88917, MedGen C4746986, MONDO:0010520, OMIM 301050.

Submission:

Centre de Génétique Humaine, Institut de Pathologie Et de Génétique
Classification: Likely pathogenic for X-linked Alport syndrome. Last evaluated: 2026-06-15. Review status: criteria provided, single submitter. Criteria: ACMG Guidelines, 2015. Collection method: clinical testing. Allele origin: germline. Inheritance: X-linked dominant inheritance. Affected: yes. Observed: 1 variant allele, 1 hemizygote. Segregation with disease not observed.
Comment: This missense variant involves a highly conserved glycine located in a ‘Gly-X-Y’ motif in collagenous region, which is characteristic of the pathogenic variants identified in the COL4A5 gene (PM1,PP2). This variant is rare: absent in gnomAD v4.1.0 database (PM2). Two other missense variants affecting the same residue described as LP/P: c.1507G>C, p.GLy503Arg, PMID: 29854973 and c.1508G>T, p.GLy503Val, ClinVar and PMID: 30586318 (PM5). In silico analysis supports that this missense variant has a deleterious effect (PP3).

NM_033380.3(COL4A5):c.1507G>A (p.Gly503Ser)

Gene: COL4A5 (collagen type IV alpha 5 chain; plus strand). Cytogenetic location: Xq22.3.
Variant type: single nucleotide variant.
Coding change: c.1507G>A on transcript NM_033380.3 (MANE Select); coding-DNA position 1507, G replaced by A.
Protein change: p.Gly503Ser; replaces glycine 503 with serine.
Molecular consequence: missense variant.
Genome position (GRCh38, 1-based): chrX:108,595,592, G>A. VCF-style: chrX-108595592-G-A. GRCh37 (hg19) VCF-style: chrX-107838822-G-A.
Other names: p.(Gly503Ser); c.1507G>A, p.Gly503Ser (NM_000495.5); short protein forms G503S.
Identifiers: ClinVar variation 5041984 (VCV005041984.1).
Genomic context (GRCh38, chrX:108,595,592, plus strand): 5'-AACTGCATTGGAACTGGTATTTCAGGGCCTCCAGGTCAACCTGGTTTGCCAGGTCTCCCA[G>A]GTCCTCCAGGTAAATTATGCCTCAGGGTAACCTTCTAAATATTTTTTGGCTAGATTTTGT-3'
Protein context (NP_203699.1, residues 493-513): PGQPGLPGLP[Gly503Ser]PPGSLGFPGQ